The following is an entry in ClinVar:

ClinVar aggregate classification (germline): Likely pathogenic (1 of 4 stars; one submission).

Conditions:
ALMS1-related disorder. Also called: ALMS1-related condition.

Submission:

PreventionGenetics, part of Exact Sciences
Classification: Likely pathogenic for ALMS1-related condition. Last evaluated: 2026-08-21. Review status: criteria provided, single submitter. Criteria: ACMG Guidelines, 2015. Collection method: clinical testing. Allele origin: germline.
Comment: The ALMS1 c.5973dupT variant is predicted to result in premature protein termination (p.Lys1992*). To our knowledge, this variant has not been reported in the literature or in a large population database (gnomAD), indicating this variant is rare. Nonsense variants in ALMS1 are expected to be pathogenic. This variant is interpreted as likely pathogenic.

NM_001378454.1(ALMS1):c.5971dup (p.Ser1991fs)

Gene: ALMS1 (ALMS1 centrosome and basal body associated protein; plus strand). Cytogenetic location: 2p13.1.
Variant type: Duplication.
Coding change: c.5971dup on transcript NM_001378454.1 (MANE Select); coding-DNA position 5971, one base duplicated (T; older notation c.5971dupT).
Protein change: p.Ser1991fs; shifts the reading frame from serine 1991.
Molecular consequence: frameshift variant.
Genome position (GRCh38, 1-based): chr2:73,452,498, T duplicated; the last of 2 consecutive T bases (chr2:73,452,497-73,452,498); duplicating either gives the same sequence. VCF-style (leftmost placement, unchanged base first): chr2-73452496-A-AT. GRCh37 (hg19) VCF-style: chr2-73679623-A-AT.
Other names: c.5974dup, p.Ser1992fs (NM_015120.4); c.5973dupT (NM_015120.4); short protein forms S1992fs, S1991fs.
Identifiers: ClinVar variation 4995375 (VCV004995375.1).